The following is an entry in ClinVar:

NM_001164508.2(NEB):c.15356_15365del (p.Leu5119fs)

Gene: NEB (nebulin; minus strand). Cytogenetic location: 2q23.3.
Variant type: Deletion.
Coding change: c.15356_15365del on transcript NM_001164508.2 (MANE Select); coding-DNA positions 15356 to 15365, 10 bases deleted (TCTATAGGAC; older notation c.15356_15365delTCTATAGGAC).
Protein change: p.Leu5119fs; shifts the reading frame from leucine 5119.
Molecular consequence: frameshift variant. On other transcripts: intron variant (1).
Genome position (GRCh38, 1-based): chr2:151,587,459-151,587,468, GTCCTATAGA deleted on the plus strand (TCTATAGGAC on the coding strand, the reverse complement: NEB is on the minus strand); deleting any 10 consecutive bases within chr2:151,587,459-151,587,471 gives the same sequence; the c. name uses the placement nearest the transcript's 3' end. VCF-style (leftmost placement, unchanged base first): chr2-151587458-TGTCCTATAGA-T. GRCh37 (hg19) VCF-style: chr2-152443972-TGTCCTATAGA-T.
Other names: c.15356_15365del10 (NM_001271208.1); c.15356_15365del, p.Leu5119fs (NM_001164507.2, NM_001271208.2); c.11602-11114_11602-11105del (NM_004543.5); short protein forms L5119fs.
Identifiers: ClinVar variation 5001973 (VCV005001973.1).

ClinVar aggregate classification (germline): Likely pathogenic (1 of 4 stars; one submission).

Conditions:
NEB-related disorder. Also called: NEB-Related Disorders; NEB-related condition.

Submission:

PreventionGenetics, part of Exact Sciences
Classification: Likely pathogenic for NEB-related condition. Last evaluated: 2024-10-23. Review status: criteria provided, single submitter. Criteria: ACMG Guidelines, 2015. Collection method: clinical testing. Allele origin: germline.
Comment: The NEB c.15356_15365del10 variant is predicted to result in a frameshift and premature protein termination (p.Leu5119Hisfs*27). To our knowledge, this variant has not been reported in the literature or in a large population database (gnomAD), indicating this variant is rare. Frameshift variants in NEB are expected to be pathogenic. This variant is interpreted as likely pathogenic. Of note, this variant was confirmed to reside in exon 98. Exons 82-105 of the NEB gene are organized in three highly homologous blocks of 8 exons each, making this region difficult to analyze by NextGen Sequencing; however, the c.15356_15365del10 variant was detected by a unique 2 step-PCR Sanger assay for this region.